The following is an entry in ClinVar:

NM_016038.4(SBDS):c.409A>G (p.Met137Val)

Gene: SBDS (SBDS ribosome maturation factor; minus strand). Cytogenetic location: 7q11.21.
Variant type: single nucleotide variant.
Coding change: c.409A>G on transcript NM_016038.4 (MANE Select); coding-DNA position 409, A replaced by G.
Protein change: p.Met137Val; replaces methionine 137 with valine.
Molecular consequence: missense variant.
Genome position (GRCh38, 1-based): chr7:66,993,267, T>C on the plus strand (A>G on the coding strand, the complement: SBDS is on the minus strand). VCF-style: chr7-66993267-T-C. GRCh37 (hg19) VCF-style: chr7-66458254-T-C.
Other names: short protein forms M137V.
Identifiers: ClinVar variation 5029014 (VCV005029014.1).

ClinVar aggregate classification (germline): Uncertain significance (1 of 4 stars; one submission).

Conditions:
Inborn genetic diseases. Identifiers: MedGen C0950123, MeSH D030342.

Submission:

Ambry Genetics
Classification: Uncertain significance for Inborn genetic diseases. Last evaluated: 2026-06-27. Review status: criteria provided, single submitter. Criteria: Ambry Variant Classification Scheme 2023. Collection method: clinical testing. Allele origin: germline.
Comment: The p.M137V variant (also known as c.409A>G), located in coding exon 3 of the SBDS gene, results from an A to G substitution at nucleotide position 409. The methionine at codon 137 is replaced by valine, an amino acid with highly similar properties. This amino acid position is conserved. In addition, this alteration is predicted to be deleterious by in silico analysis. Based on the available evidence, the clinical significance of this variant remains unclear.